The following is an entry in ClinVar:

ClinVar aggregate classification (germline): Likely benign (0 of 4 stars; one submission).

Conditions:
XIRP2-related disorder. Also called: XIRP2-related condition.

Allele frequency attached by ClinVar (database versions not stated): ExAC 0.00002; gnomAD exomes 0.00002; TOPMed 0.00004.
gnomAD v4.1: 25 of 1,613,446 alleles (0.0015%); highest among the groups gnomAD compares: Admixed American, 0.017%; no homozygotes.

Submission:

PreventionGenetics, part of Exact Sciences
Classification: Likely benign for XIRP2-related condition. Last evaluated: 2019-08-20. Review status: no assertion criteria provided. Collection method: clinical testing. Allele origin: germline.
Comment: This variant is classified as likely benign based on ACMG/AMP sequence variant interpretation guidelines (Richards et al. 2015 PMID: 25741868, with internal and published modifications).

NM_152381.6(XIRP2):c.1083G>A (p.Ser361=)

Gene: XIRP2 (xin actin binding repeat containing 2; plus strand). Cytogenetic location: 2q24.3.
Variant type: single nucleotide variant.
Coding change: c.1083G>A on transcript NM_152381.6 (MANE Select); coding-DNA position 1083, G replaced by A.
Protein change: p.Ser361=; no amino-acid change (serine 361 retained).
Molecular consequence: synonymous variant.
Genome position (GRCh38, 1-based): chr2:167,241,817, G>A. VCF-style: chr2-167241817-G-A. GRCh37 (hg19) VCF-style: chr2-168098327-G-A.
Other names: c.1083G>A, p.Ser361= (NM_001079810.4); c.1182G>A, p.Ser394= (NM_001199143.2); c.417G>A, p.Ser139= (NM_001199144.2, NM_001199145.2).
Identifiers: ClinVar variation 3053544 (VCV003053544.2), dbSNP rs780019537, ClinGen allele CA1946384.